The following is an entry in ClinVar:

NM_000393.5(COL5A2):c.2337A>G (p.Arg779=)

Gene: COL5A2 (collagen type V alpha 2 chain; minus strand). Cytogenetic location: 2q32.2.
Variant type: single nucleotide variant.
Coding change: c.2337A>G on transcript NM_000393.5 (MANE Select); coding-DNA position 2337, A replaced by G.
Protein change: p.Arg779=; no amino-acid change (arginine 779 retained).
Molecular consequence: synonymous variant.
Genome position (GRCh38, 1-based): chr2:189,057,320, T>C on the plus strand (A>G on the coding strand, the complement: COL5A2 is on the minus strand). VCF-style: chr2-189057320-T-C. GRCh37 (hg19) VCF-style: chr2-189922046-T-C.
Identifiers: ClinVar variation 3777918 (VCV003777918.7).

ClinVar aggregate classification (germline): Likely benign (1 of 4 stars; one submission).

Submission:

CeGaT Center for Human Genetics Tuebingen
Classification: Likely benign. Last evaluated: 2025-03-01. Review status: criteria provided, single submitter. Criteria: CeGaT Center For Human Genetics Tuebingen Variant Classification Criteria Version 2. Collection method: clinical testing. Allele origin: germline. Affected: yes. Observed: 1 variant allele.
Comment: COL5A2: PM2:Supporting, BP4, BP7